The following is an entry in ClinVar:

NM_198947.4(FAM111B):c.2051G>A (p.Gly684Asp)

Gene: FAM111B (FAM111 trypsin like peptidase B; plus strand). Cytogenetic location: 11q12.1.
Variant type: single nucleotide variant.
Coding change: c.2051G>A on transcript NM_198947.4 (MANE Select); coding-DNA position 2051, G replaced by A.
Protein change: p.Gly684Asp; replaces glycine 684 with aspartic acid.
Molecular consequence: missense variant.
Genome position (GRCh38, 1-based): chr11:59,126,148, G>A. VCF-style: chr11-59126148-G-A. GRCh37 (hg19) VCF-style: chr11-58893621-G-A.
Other names: c.1961G>A, p.Gly654Asp (NM_001142703.2, NM_001142704.2); short protein forms G654D, G684D.
Identifiers: ClinVar variation 2266684 (VCV002266684.4), dbSNP rs141940888, ClinGen allele CA6016426.

ClinVar aggregate classification (germline): Uncertain significance. Review status: criteria provided, single submitter (1 of 4 stars). 2 submissions from 2 submitters: Uncertain significance (1). 1 of the submissions does not count toward it. Last evaluated 2022-12-15.

Conditions:
FAM111B-related disorder. Also called: FAM111B-related condition.
Inborn genetic diseases. Identifiers: MedGen C0950123, MeSH D030342.

Allele frequency attached by ClinVar (database versions not stated): 1000 Genomes Project 0.00020; 1000 Genomes Project 30x 0.00031; gnomAD 0.00058; TOPMed 0.00060; ESP Exome Variant Server 0.00077.
gnomAD v4.1: 183 of 1,612,466 alleles (0.011%); highest among the groups gnomAD compares: African/African-American, 0.22%; no homozygotes.

Submissions (2):

Ambry Genetics
Classification: Uncertain significance for Inborn genetic diseases. Last evaluated: 2022-12-15. Review status: criteria provided, single submitter. Criteria: Ambry Variant Classification Scheme 2023. Collection method: clinical testing. Allele origin: germline.

PreventionGenetics, part of Exact Sciences
Classification: Likely benign for FAM111B-related condition. Last evaluated: 2019-09-30. Review status: no assertion criteria provided. Collection method: clinical testing. Allele origin: germline. Not counted in ClinVar's aggregate classification.
Comment: This variant is classified as likely benign based on ACMG/AMP sequence variant interpretation guidelines (Richards et al. 2015 PMID: 25741868, with internal and published modifications).